The following is an entry in ClinVar:

ClinVar aggregate classification (germline): Pathogenic/Likely pathogenic. Review status: criteria provided, multiple submitters, no conflicts (2 of 4 stars). 9 submissions from 9 submitters: Pathogenic (6); Likely pathogenic (1). 2 of the submissions do not count toward it. Last evaluated 2024-11-13.

Conditions:
Hereditary cancer-predisposing syndrome. Also called: Tumor predisposition; Hereditary neoplastic syndrome; Hereditary Cancer Syndrome; Neoplastic Syndromes, Hereditary. Identifiers: Orphanet 140162, MedGen C0027672, MeSH D009386, MONDO:0015356.
Hereditary breast ovarian cancer syndrome. Also called: Hereditary breast and/or ovarian cancer syndrome; Breast and ovarian cancer; Hereditary breast and ovarian cancer syndrome; Hereditary breast and ovarian cancer; Hereditary breast and ovarian cancer syndrome (HBOC); BRCA1- and BRCA2-Associated Hereditary Breast and Ovarian Cancer. Identifiers: Orphanet 145, MedGen C0677776, MeSH D061325, MONDO:0003582. Disease mechanism: loss of function.
Breast-ovarian cancer, familial, susceptibility to, 1 (BROVCA1). Also called: BRCA1 Hereditary Breast and Ovarian Cancer; OVARIAN CANCER, SUSCEPTIBILITY TO. Identifiers: Orphanet 145, MedGen C2676676, MONDO:0011450, OMIM 604370. Disease mechanism: loss of function.

Submissions (9):

Color Diagnostics, LLC DBA Color Health
Classification: Pathogenic for Hereditary cancer-predisposing syndrome. Last evaluated: 2024-11-13. Review status: criteria provided, single submitter. Criteria: ACMG Guidelines, 2015. Collection method: clinical testing. Allele origin: germline.
Comment: This variant causes a G to A nucleotide substitution at the +1 position of intron 7 of the BRCA1 gene. Splice site prediction tools predict that this variant may have a significant impact on RNA splicing. A similar canonical splice site variant, c.547+2T>A, at the intron 7 splice donor site has been shown to cause the out-of-frame skipping of exon 7, resulting in premature truncation and an absent or non-functional protein product (PMID: 10479726, 22505045, 23451180). This variant has been reported in an individual affected with triple-negative breast cancer (PMID: 30350268). This variant has not been identified in the general population by the Genome Aggregation Database (gnomAD). Loss of BRCA1 function is a known mechanism of disease. Based on the available evidence, this variant is classified as Pathogenic.

Labcorp Genetics (formerly Invitae), Labcorp
Classification: Pathogenic for Hereditary breast ovarian cancer syndrome. Last evaluated: 2024-04-11. Review status: criteria provided, single submitter. Criteria: Invitae Variant Classification Sherloc (09022015). Collection method: clinical testing. Allele origin: germline.
Comment: This sequence change affects a donor splice site in intron 7 of the BRCA1 gene. RNA analysis indicates that disruption of this splice site induces altered splicing and may result in an absent or disrupted protein product. This variant is not present in population databases (gnomAD no frequency). Disruption of this splice site has been observed in individual(s) with clinical features of hereditary breast and/or ovarian cancer (PMID: 29446198). ClinVar contains an entry for this variant (Variation ID: 125881). Studies have shown that disruption of this splice site alters mRNA splicing and is expected to lead to the loss of protein expression (PMID: 22505045, 23451180, 24667779). For these reasons, this variant has been classified as Pathogenic.

GeneDx
Classification: Pathogenic. Last evaluated: 2023-10-11. Review status: criteria provided, single submitter. Criteria: GeneDx Variant Classification Process June 2021. Collection method: clinical testing. Allele origin: germline. Affected: yes.
Comment: Canonical splice site variant demonstrated to result in aberrant splicing leading to out-of-frame skipping of exon 7, also known as exon 8, in a gene for which loss of function is a known mechanism of disease (Chevalier et al., 2020); Not observed at significant frequency in large population cohorts (gnomAD); Observed in individuals with breast cancer (Ryu et al., 2019); Also known as 666+1G>A and IVS8+1G>A; This variant is associated with the following publications: (PMID: 21523855, 31112363, 32124385, 30350268)

Baylor Genetics
Classification: Pathogenic for Breast-ovarian cancer, familial, susceptibility to, 1. Last evaluated: 2023-09-28. Review status: criteria provided, single submitter. Criteria: ACMG Guidelines, 2015. Collection method: clinical testing. Allele origin: unknown.

Women's Health and Genetics/Laboratory Corporation of America, LabCorp
Classification: Likely pathogenic for Hereditary breast ovarian cancer syndrome. Last evaluated: 2023-06-20. Review status: criteria provided, single submitter. Criteria: LabCorp Variant Classification Summary - May 2015. Collection method: clinical testing. Allele origin: germline.
Comment: Variant summary: BRCA1 c.547+1G>A is located in a canonical splice-site and is predicted to affect mRNA splicing resulting in a significantly altered protein due to either exon skipping, shortening, or inclusion of intronic material. Several computational tools predict a significant impact on normal splicing: Four predict the variant abolishes a canonical 5' splicing donor site. However, these predictions have yet to be confirmed by functional studies. The variant was absent in 251436 control chromosomes (gnomAD). c.547+1G>A has been reported in the literature in individuals affected with Hereditary Breast And Ovarian Cancer Syndrome (example, Mucaki_2011, Ryu_2019). These data indicate that the variant may be associated with disease. To our knowledge, no experimental evidence demonstrating an impact on protein function has been reported. The following publications have been ascertained in the context of this evaluation (PMID: 21523855, 30350268, 31112363). Four submitters have cited clinical-significance assessments for this variant to ClinVar after 2014. All submitters classified the variant as pathogenic (n=3)/likely pathogenic (n=1). One submitter cites internal data corroborating an impact of splicing. Based on the evidence outlined above, the variant was classified as likely pathogenic.

Ambry Genetics
Classification: Pathogenic for Hereditary cancer-predisposing syndrome. Last evaluated: 2022-05-05. Review status: criteria provided, single submitter. Criteria: Ambry Variant Classification Scheme 2023. Collection method: clinical testing. Allele origin: germline.
Comment: The c.547+1G>A intronic variant results from a G to A substitution one nucleotide after coding exon 6 of the BRCA1 gene. This nucleotide position is highly conserved in available vertebrate species. In silico splice site analysis predicts that this alteration will weaken the native splice donor site. Close match alterations at the same canonical donor site, BRCA1 c.547+2T>A and BRCA2 c.547+1G>T, cause skipping of coding exon 6 (designated as exon 8 in the literature) which will produce an out-of-frame transcript with a predicted premature stop codon (Ambry internal data; Pyne MT et al. Mutat. Res. 1999 Aug;406:101-7; Houdayer C et al. Hum. Mutat. 2012 Aug;33:1228-38; Colombo M et al. PLoS ONE 2013 Feb;8:e57173). This variant is considered to be rare based on population cohorts in the Genome Aggregation Database (gnomAD). Based on the supporting evidence, this alteration is interpreted as a disease-causing mutation.

Revvity Omics, Revvity
Classification: Pathogenic. Last evaluated: 2019-08-12. Review status: criteria provided, single submitter. Criteria: ACMG Guidelines, 2015. Collection method: clinical testing. Allele origin: germline.

Counsyl
Classification: Likely pathogenic for Breast-ovarian cancer, familial, susceptibility to, 1. Last evaluated: 2016-02-19. Review status: no assertion criteria provided. Collection method: clinical testing. Allele origin: unknown. Not counted in ClinVar's aggregate classification.

Breast Cancer Information Core (BIC) (BRCA1)
Classification: Pathogenic for Breast-ovarian cancer, familial 1. Last evaluated: 2003-12-23. Review status: no assertion criteria provided. Collection method: clinical testing. Allele origin: germline. Affected: yes. Observed: 1 variant allele. Not counted in ClinVar's aggregate classification.

Literature cited by the submitters: PubMed 10479726 (cited by Color Diagnostics, LLC DBA Color Health); PubMed 22505045 (cited by Color Diagnostics, LLC DBA Color Health and Labcorp Genetics (formerly Invitae), Labcorp); PubMed 23451180 (cited by Color Diagnostics, LLC DBA Color Health and Labcorp Genetics (formerly Invitae), Labcorp); PubMed 30350268 (cited by Color Diagnostics, LLC DBA Color Health and Women's Health and Genetics/Laboratory Corporation of America, LabCorp); PubMed 29446198 (cited by Labcorp Genetics (formerly Invitae), Labcorp); PubMed 24667779 (cited by Labcorp Genetics (formerly Invitae), Labcorp); PubMed 21523855 (cited by 3 submitters); PubMed 31112363 (cited by Women's Health and Genetics/Laboratory Corporation of America, LabCorp).

NM_007294.4(BRCA1):c.547+1G>A

Gene: BRCA1 (BRCA1 DNA repair associated; minus strand). Cytogenetic location: 17q21.31.
Variant type: single nucleotide variant.
Coding change: c.547+1G>A on transcript NM_007294.4 (MANE Select); the canonical splice donor site of the intron after coding-DNA position 547, G replaced by A.
Molecular consequence: splice donor variant. On other transcripts: intron variant (2).
Genome position (GRCh38, 1-based): chr17:43,099,774, C>T on the plus strand (G>A on the coding strand, the complement: BRCA1 is on the minus strand). VCF-style: chr17-43099774-C-T. GRCh37 (hg19) VCF-style: chr17-41251791-C-T.
Other names: IVS8+1G>A; c.544+1G>A (NM_001407632.1, NM_001407613.1, NM_001408446.1 and 65 more transcripts); c.547+1G>A (NM_001408436.1, NM_001407665.1, NM_001407980.1 and 96 more transcripts); c.412+1G>A (NM_001408451.1); c.334+1G>A (NM_001407898.1, NM_001408509.1, NM_001408508.1 and 18 more transcripts); c.337+1G>A (NM_001407881.1, NM_001407957.1, NM_001407953.1 and 37 more transcripts); c.403+1G>A (NM_001407932.1, NM_001408464.1, NM_001407742.1 and 35 more transcripts); c.406+1G>A (NM_001408498.1, NM_001407928.1, NM_001407925.1 and 61 more transcripts); and 6 more.
Identifiers: ClinVar variation 125881 (VCV000125881.29), dbSNP rs80358030, ClinGen allele CA003632.
Genomic context (GRCh38, chr17:43,099,774, plus strand): 5'-AACTATAAGATAAGGAATCCAGCAATTATTATTAAATACTTAAAAAACCTGAGACCCTTA[C>T]CCAATTCAATGTAGACAGACGTCTTTTGAGGTTGTATCCGCTGCTTTGTCCTCAGAGTTC-3'